The following is an entry in ClinVar:

NM_182961.4(SYNE1):c.9302C>T (p.Ser3101Leu)

Gene: SYNE1 (spectrin repeat containing nuclear envelope protein 1; minus strand). Cytogenetic location: 6q25.2.
Variant type: single nucleotide variant.
Coding change: c.9302C>T on transcript NM_182961.4 (MANE Select); coding-DNA position 9302, C replaced by T.
Protein change: p.Ser3101Leu; replaces serine 3101 with leucine.
Molecular consequence: missense variant.
Genome position (GRCh38, 1-based): chr6:152,376,403, G>A on the plus strand (C>T on the coding strand, the complement: SYNE1 is on the minus strand). VCF-style: chr6-152376403-G-A. GRCh37 (hg19) VCF-style: chr6-152697538-G-A.
Other names: c.9323C>T, p.Ser3108Leu (NM_033071.5); short protein forms S3101L, S3108L.
Identifiers: ClinVar variation 4293759 (VCV004293759.1).

ClinVar aggregate classification (germline): Uncertain significance (1 of 4 stars; one submission).

Conditions:
Autosomal recessive ataxia, Beauce type. Also called: SYNE1-Related Autosomal Recessive Cerebellar Ataxia; SYNE1 Deficiency; Spinocerebellar ataxia, autosomal recessive 8; ATAXIA, RECESSIVE, OF BEAUCE. Identifiers: Orphanet 88644, MedGen C1853116, MONDO:0012549, OMIM 610743.

gnomAD v4.1: 5 of 1,614,032 alleles (0.00031%); highest among the groups gnomAD compares: Middle Eastern, 0.016%; no homozygotes.

Submission:

3billion
Classification: Uncertain significance for Autosomal recessive ataxia, Beauce type. Last evaluated: 2025-01-24. Review status: criteria provided, single submitter. Criteria: ACMG Guidelines, 2015. Collection method: clinical testing. Allele origin: germline. Affected: yes.
Comment: The variant is observed at an extremely low frequency in the gnomAD v4.1.0 dataset (total allele frequency: <0.001%). Predicted Consequence/Location: Missense variant. The majority of the known disease-causing variants of this gene are variants expected to result in premature termination of the protein. In silico tools predict the variant to alter splicing and produce an abnormal transcript [SpliceAI: 0.33 (>=0.2, moderate evidence for spliceogenicity)]. Therefore, this variant is classified as VUS according to the recommendation of ACMG/AMP guideline.